The following is an entry in ClinVar:

ClinVar aggregate classification (germline): Uncertain significance. Review status: criteria provided, multiple submitters, no conflicts (2 of 4 stars). 2 submissions from 2 submitters: Uncertain significance (2). Last evaluated 2023-09-27.

Conditions:
Autosomal recessive limb-girdle muscular dystrophy type 2L (LGMDR12). Also called: Limb-girdle muscular dystrophy, type 2L; Limb-Girdle Muscular Dystrophy R12 Anoctamin-5-Related (LGMD-R12); MUSCULAR DYSTROPHY, LIMB-GIRDLE, AUTOSOMAL RECESSIVE 12. Identifiers: Orphanet 206549, MedGen C1969785, MONDO:0012652, OMIM 611307.
Gnathodiaphyseal dysplasia (GDD). Also called: GNATHODIAPHYSEAL SCLEROSIS; OSTEOGENESIS IMPERFECTA WITH UNUSUAL SKELETAL LESIONS. Identifiers: Orphanet 53697, MedGen C1833736, MONDO:0008151, OMIM 166260.

Submissions (2):

Labcorp Genetics (formerly Invitae), Labcorp
Classification: Uncertain significance for Autosomal recessive limb-girdle muscular dystrophy type 2L; Gnathodiaphyseal dysplasia. Last evaluated: 2023-09-27. Review status: criteria provided, single submitter. Criteria: Invitae Variant Classification Sherloc (09022015). Collection method: clinical testing. Allele origin: germline.
Comment: This variant, c.1915_1917del, results in the deletion of 1 amino acid(s) of the ANO5 protein (p.Trp639del), but otherwise preserves the integrity of the reading frame. This variant is not present in population databases (gnomAD no frequency). This variant has not been reported in the literature in individuals affected with ANO5-related conditions. Experimental studies and prediction algorithms are not available or were not evaluated, and the functional significance of this variant is currently unknown. In summary, the available evidence is currently insufficient to determine the role of this variant in disease. Therefore, it has been classified as a Variant of Uncertain Significance.

Eurofins Ntd Llc (ga)
Classification: Uncertain significance. Last evaluated: 2016-03-16. Review status: criteria provided, single submitter. Criteria: EGL Classification Definitions 2015. Collection method: clinical testing. Allele origin: germline. Observed: 1 variant allele, 1 heterozygote.

NM_213599.3(ANO5):c.1912TGG[1] (p.Trp639del)

Gene: ANO5 (anoctamin 5; plus strand). Cytogenetic location: 11p14.3.
Variant type: Microsatellite.
Coding change: c.1912TGG[1] on transcript NM_213599.3 (MANE Select); one copy of the 3-base unit TGG starting at c.1912; the reference has two copies in a row; one copy, 3 bases deleted.
Protein change: p.Trp639del; deletes tryptophan 639.
Molecular consequence: inframe deletion.
Genome position (GRCh38, 1-based): chr11:22,270,328-22,270,330, TGG deleted; deleting any 3 consecutive bases within chr11:22,270,325-22,270,330 gives the same sequence; the position shown is the placement nearest the transcript's 3' end. VCF-style (leftmost placement, unchanged base first): chr11-22270324-TTGG-T. GRCh37 (hg19) VCF-style: chr11-22291870-TTGG-T.
Other names: c.1909TGG[1], p.Trp638del (NM_001142649.2); short protein forms W639del, W638del.
Identifiers: ClinVar variation 286905 (VCV000286905.8), dbSNP rs886043515, ClinGen allele CA10605609.